The following is an entry in ClinVar:

ClinVar aggregate classification (germline): Uncertain significance (1 of 4 stars; one submission).

Conditions:
Inborn genetic diseases. Identifiers: MedGen C0950123, MeSH D030342.

Submission:

Ambry Genetics
Classification: Uncertain significance for Inborn genetic diseases. Last evaluated: 2022-10-04. Review status: criteria provided, single submitter. Criteria: Ambry Variant Classification Scheme 2023. Collection method: clinical testing. Allele origin: germline.
Comment: The p.L2300F variant (also known as c.6900G>T), located in coding exon 47 of the LRRK2 gene, results from a G to T substitution at nucleotide position 6900. The leucine at codon 2300 is replaced by phenylalanine, an amino acid with highly similar properties. This amino acid position is conserved. In addition, this alteration is predicted to be tolerated by in silico analysis. Since supporting evidence is limited at this time, the clinical significance of this alteration remains unclear.

NM_198578.4(LRRK2):c.6900G>T (p.Leu2300Phe)

Gene: LRRK2 (leucine rich repeat kinase 2; plus strand). Cytogenetic location: 12q12.
Variant type: single nucleotide variant.
Coding change: c.6900G>T on transcript NM_198578.4 (MANE Select); coding-DNA position 6900, G replaced by T.
Protein change: p.Leu2300Phe; replaces leucine 2300 with phenylalanine.
Molecular consequence: missense variant.
Genome position (GRCh38, 1-based): chr12:40,359,316, G>T. VCF-style: chr12-40359316-G-T. GRCh37 (hg19) VCF-style: chr12-40753118-G-T.
Other names: short protein forms L2300F.
Identifiers: ClinVar variation 1756076 (VCV001756076.2), dbSNP rs906855468, ClinGen allele CA384411550.